The following is an entry in ClinVar:

ClinVar aggregate classification (germline): Uncertain significance (1 of 4 stars; one submission).

Submission:

GeneDx
Classification: Uncertain significance. Last evaluated: 2026-03-20. Review status: criteria provided, single submitter. Criteria: GeneDx Variant Classification Process June 2021. Collection method: clinical testing. Allele origin: germline.
Comment: Not observed at significant frequency in large population cohorts (gnomAD); In silico analysis supports that this missense variant has a deleterious effect on protein structure/function; Has not been previously published as pathogenic or benign to our knowledge

NM_006445.4(PRPF8):c.1025C>T (p.Thr342Ile)

Gene: PRPF8 (pre-mRNA processing factor 8; minus strand). Cytogenetic location: 17p13.3.
Variant type: single nucleotide variant.
Coding change: c.1025C>T on transcript NM_006445.4 (MANE Select); coding-DNA position 1025, C replaced by T.
Protein change: p.Thr342Ile; replaces threonine 342 with isoleucine.
Molecular consequence: missense variant.
Genome position (GRCh38, 1-based): chr17:1,680,799, G>A on the plus strand (C>T on the coding strand, the complement: PRPF8 is on the minus strand). VCF-style: chr17-1680799-G-A. GRCh37 (hg19) VCF-style: chr17-1584093-G-A.
Other names: short protein forms T342I.
Identifiers: ClinVar variation 5009317 (VCV005009317.1).